The following is an entry in ClinVar:

NM_003000.3(SDHB):c.343C>G (p.Arg115Gly)

Gene: SDHB (succinate dehydrogenase complex iron sulfur subunit B; minus strand). Cytogenetic location: 1p36.13.
Variant type: single nucleotide variant.
Coding change: c.343C>G on transcript NM_003000.3 (MANE Select); coding-DNA position 343, C replaced by G.
Protein change: p.Arg115Gly; replaces arginine 115 with glycine.
Molecular consequence: missense variant.
Genome position (GRCh38, 1-based): chr1:17,028,680, G>C on the plus strand (C>G on the coding strand, the complement: SDHB is on the minus strand). VCF-style: chr1-17028680-G-C. GRCh37 (hg19) VCF-style: chr1-17355175-G-C.
Other names: short protein forms R115G.
Identifiers: ClinVar variation 1433386 (VCV001433386.9), dbSNP rs751000085, ClinGen allele CA338274697.

ClinVar aggregate classification (germline): Uncertain significance. Review status: criteria provided, multiple submitters, no conflicts (2 of 4 stars). 3 submissions from 3 submitters: Uncertain significance (3). Last evaluated 2024-04-12.

Conditions:
Gastrointestinal stromal tumor. Also called: Gastrointestinal stroma tumor; Gastrointestinal stromal tumor, somatic. Identifiers: Orphanet 44890, MedGen C0238198, MeSH D046152, MONDO:0011719, OMIM 606764, HP:0100723.
Carney-Stratakis syndrome. Also called: PARAGANGLIOMA AND GASTROINTESTINAL STROMAL TUMOR. Identifiers: Orphanet 97286, MedGen C1847319, MONDO:0011740, OMIM 606864.
Pheochromocytoma/paraganglioma syndrome 4. Also called: CAROTID BODY TUMORS AND MULTIPLE EXTRAADRENAL PHEOCHROMOCYTOMAS; SDHB-Related Hereditary Paraganglioma-Pheochromocytoma Syndrome; PARAGANGLIOMA, FAMILIAL MALIGNANT; PARAGANGLIOMAS, HEREDITARY EXTRAADRENAL; PHEOCHROMOCYTOMA, FAMILIAL EXTRAADRENAL; Paragangliomas 4. Identifiers: Orphanet 29072, MedGen C1861848, MONDO:0007273, OMIM 115310.
Mitochondrial complex 2 deficiency, nuclear type 4. Also called: MITOCHONDRIAL COMPLEX II DEFICIENCY, NUCLEAR TYPE 4. Identifiers: MedGen C5543176, MONDO:0030974, OMIM 619224.
Pheochromocytoma. Also called: MAX-Related Hereditary Paraganglioma-Pheochromocytoma Syndrome. Identifiers: Orphanet 29072, MedGen C0031511, MONDO:0008233, OMIM 171300, HP:0002666.
Hereditary cancer-predisposing syndrome. Also called: Hereditary neoplastic syndrome; Tumor predisposition; Hereditary Cancer Syndrome; Neoplastic Syndromes, Hereditary. Identifiers: Orphanet 140162, MedGen C0027672, MeSH D009386, MONDO:0015356.

Allele frequency attached by ClinVar (database versions not stated): gnomAD 0.00001.
gnomAD v4.1: 1 of 1,613,960 alleles (0.000062%); highest among the groups gnomAD compares: Non-Finnish European, 0.000085%; no homozygotes.

Submissions (3):

Fulgent Genetics
Classification: Uncertain significance for Pheochromocytoma/paraganglioma syndrome 4; Gastrointestinal stromal tumor; Carney-Stratakis syndrome; Mitochondrial complex 2 deficiency, nuclear type 4. Last evaluated: 2024-04-12. Review status: criteria provided, single submitter. Criteria: ACMG Guidelines, 2015. Collection method: clinical testing. Allele origin: germline.

Labcorp Genetics (formerly Invitae), Labcorp
Classification: Uncertain significance for Gastrointestinal stromal tumor; Pheochromocytoma/paraganglioma syndrome 4; Pheochromocytoma. Last evaluated: 2023-07-24. Review status: criteria provided, single submitter. Criteria: Invitae Variant Classification Sherloc (09022015). Collection method: clinical testing. Allele origin: germline.
Comment: In summary, the available evidence is currently insufficient to determine the role of this variant in disease. Therefore, it has been classified as a Variant of Uncertain Significance. Advanced modeling of protein sequence and biophysical properties (such as structural, functional, and spatial information, amino acid conservation, physicochemical variation, residue mobility, and thermodynamic stability) performed at Invitae indicates that this missense variant is not expected to disrupt SDHB protein function. ClinVar contains an entry for this variant (Variation ID: 1433386). This variant has not been reported in the literature in individuals affected with SDHB-related conditions. This variant is present in population databases (no rsID available, gnomAD 0.007%). This sequence change replaces arginine, which is basic and polar, with glycine, which is neutral and non-polar, at codon 115 of the SDHB protein (p.Arg115Gly).

Ambry Genetics
Classification: Uncertain significance for Hereditary cancer-predisposing syndrome. Last evaluated: 2019-09-20. Review status: criteria provided, single submitter. Criteria: Ambry Variant Classification Scheme 2023. Collection method: clinical testing. Allele origin: germline.
Comment: The p.R115G variant (also known as c.343C>G), located in coding exon 4 of the SDHB gene, results from a C to G substitution at nucleotide position 343. The arginine at codon 115 is replaced by glycine, an amino acid with dissimilar properties. This amino acid position is well conserved in available vertebrate species. In addition, the in silico prediction for this alteration is inconclusive. Since supporting evidence is limited at this time, the clinical significance of this alteration remains unclear.